The following is an entry in ClinVar:

NM_153240.5(NPHP3):c.3094G>A (p.Ala1032Thr)

Genes: NPHP3 (nephrocystin 3; minus strand), NPHP3-ACAD11 (NPHP3-ACAD11 readthrough (NMD candidate); minus strand). Cytogenetic location: 3q22.1.
Variant type: single nucleotide variant.
Coding change: c.3094G>A on transcript NM_153240.5 (MANE Select); coding-DNA position 3094, G replaced by A.
Protein change: p.Ala1032Thr; replaces alanine 1032 with threonine.
Molecular consequence: missense variant. On other transcripts: non-coding transcript variant (1).
Genome position (GRCh38, 1-based): chr3:132,688,681, C>T on the plus strand (G>A on the coding strand, the complement: NPHP3 is on the minus strand). VCF-style: chr3-132688681-C-T. GRCh37 (hg19) VCF-style: chr3-132407525-C-T.
Other names: short protein forms A1032T.
Identifiers: ClinVar variation 2571847 (VCV002571847.1), dbSNP rs2530394783, ClinGen allele CA354579797.
Genomic context (GRCh38, chr3:132,688,681, plus strand): 5'-TCAGGTATTACTGATCTAAAAAATCTTACTTATTTTGTTTCTGGTACAAAGTTGCAAGTG[C>T]TTCAAGTTCACGAGCAGTATATGGATGGTCCGCACCATAAGCATTTTCTGAGATTTCCAA-3'
Protein context (NP_694972.3, residues 1022-1042): DHPYTARELE[Ala1032Thr]LATLYQKQNK

ClinVar aggregate classification (germline): Uncertain significance (1 of 4 stars; one submission).

Submission:

GeneDx
Classification: Uncertain significance. Last evaluated: 2023-01-04. Review status: criteria provided, single submitter. Criteria: GeneDx Variant Classification Process June 2021. Collection method: clinical testing. Allele origin: germline. Affected: yes.
Comment: Not observed at significant frequency in large population cohorts (gnomAD); In silico analysis supports that this missense variant does not alter protein structure/function; Has not been previously published as pathogenic or benign to our knowledge